The following is an entry in ClinVar:

ClinVar aggregate classification (germline): Uncertain significance (1 of 4 stars; one submission).

gnomAD v4.1: 6 of 1,567,388 alleles (0.00038%); highest among the groups gnomAD compares: Non-Finnish European, 0.00052%; no homozygotes.

Submission:

Ambry Genetics
Classification: Uncertain significance. Last evaluated: 2025-04-11. Review status: criteria provided, single submitter. Criteria: Ambry Variant Classification Scheme 2023. Collection method: clinical testing. Allele origin: germline.
Comment: The p.E1702A variant (also known as c.5105A>C), located in coding exon 22 of the WNK2 gene, results from an A to C substitution at nucleotide position 5105. The glutamic acid at codon 1702 is replaced by alanine, an amino acid with dissimilar properties. This amino acid position is conserved. In addition, this alteration is predicted to be tolerated by in silico analysis. Based on the available evidence, the clinical significance of this variant remains unclear.

NM_006648.4(WNK2):c.5105A>C (p.Glu1702Ala)

Gene: WNK2 (WNK lysine deficient protein kinase 2; plus strand). Cytogenetic location: 9q22.31.
Variant type: single nucleotide variant.
Coding change: c.5105A>C on transcript NM_006648.4 (MANE Select); coding-DNA position 5105, A replaced by C.
Protein change: p.Glu1702Ala; replaces glutamic acid 1702 with alanine.
Molecular consequence: missense variant.
Genome position (GRCh38, 1-based): chr9:93,292,570, A>C. VCF-style: chr9-93292570-A-C. GRCh37 (hg19) VCF-style: chr9-96054852-A-C.
Other names: c.5216A>C, p.Glu1739Ala (NM_001282394.3); short protein forms E1702A, E1739A.
Identifiers: ClinVar variation 3981849 (VCV003981849.1).